The following is an entry in ClinVar:

ClinVar aggregate classification (germline): Conflicting classifications of pathogenicity. Review status: criteria provided, conflicting classifications (1 of 4 stars). 7 submissions from 7 submitters: Uncertain significance (6); Likely benign (1). Last evaluated 2025-12-08.

Conditions:
Short QT syndrome type 1. Identifiers: Orphanet 51083, MedGen C1865020, MONDO:0012312, OMIM 609620.
Long QT syndrome 2 (LQT2). Identifiers: Orphanet 101016, Orphanet 768, MedGen C3150943, MONDO:0013367, OMIM 613688.
Cardiovascular phenotype. Identifiers: MedGen CN230736.
Cardiac arrhythmia. Also called: Cardiac rhythm disease; Arrhythmia. Identifiers: MedGen C0003811, MONDO:0007263, HP:0011675.
Long QT syndrome (LQTS). Identifiers: MedGen C0023976, MeSH D008133, MONDO:0002442. Disease mechanism: loss of function. Inheritance: Various modes of inheritance.

Allele frequency attached by ClinVar (database versions not stated): gnomAD exomes 0.00003; gnomAD 0.00009 and 0.00011; TOPMed 0.00014; 1000 Genomes Project 30x 0.00016.
gnomAD v4.1: 220 of 1,550,296 alleles (0.014%); highest among the groups gnomAD compares: Non-Finnish European, 0.018%; no homozygotes.

Submissions (7):

Labcorp Genetics (formerly Invitae), Labcorp
Classification: Uncertain significance for Long QT syndrome. Last evaluated: 2025-12-08. Review status: criteria provided, single submitter. Criteria: Invitae Variant Classification Sherloc (09022015). Collection method: clinical testing. Allele origin: germline.
Comment: This sequence change replaces proline, which is neutral and non-polar, with leucine, which is neutral and non-polar, at codon 1030 of the KCNH2 protein (p.Pro1030Leu). This variant is present in population databases (no rsID available, gnomAD 0.007%). This variant has not been reported in the literature in individuals affected with KCNH2-related conditions. ClinVar contains an entry for this variant (Variation ID: 847541). An algorithm developed to predict the effect of missense changes on protein structure and function (PolyPhen-2) suggests that this variant is likely to be tolerated. In summary, the available evidence is currently insufficient to determine the role of this variant in disease. Therefore, it has been classified as a Variant of Uncertain Significance.

Blueprint Genetics
Classification: Likely benign. Last evaluated: 2024-11-26. Review status: criteria provided, single submitter. Criteria: ACMG Guidelines, 2015. Collection method: clinical testing. Allele origin: germline.

All of Us Research Program, National Institutes of Health
Classification: Uncertain significance for Long QT syndrome. Last evaluated: 2024-08-29. Review status: criteria provided, single submitter. Criteria: ACMG Guidelines, 2015. Collection method: clinical testing. Allele origin: germline. Inheritance: Autosomal dominant inheritance. Observed: 36 variant alleles, 35 heterozygotes, 1 hemizygote.
Comment: This missense variant replaces proline with leucine at codon 1030 of the KCNH2 protein. Computational prediction is inconclusive regarding the impact of this variant on protein structure and function (internally defined REVEL score threshold 0.5 < inconclusive < 0.7, PMID: 27666373). To our knowledge, functional studies have not been reported for this variant. This variant has not been reported in individuals affected with cardiovascular disorders in the literature. This variant has been identified in 6/178674 chromosomes in the general population by the Genome Aggregation Database (gnomAD). The available evidence is insufficient to determine the role of this variant in disease conclusively. Therefore, this variant is classified as a Variant of Uncertain Significance.

This study involves interpretation of variants in research participants for the purpose of population health screening. Participant phenotype was not available at the time of variant classification. Additional details can be found in publication PMID: 35346344, PMCID: PMC8962531

Ambry Genetics
Classification: Uncertain significance for Cardiovascular phenotype. Last evaluated: 2024-08-28. Review status: criteria provided, single submitter. Criteria: Ambry Variant Classification Scheme 2023. Collection method: clinical testing. Allele origin: germline.
Comment: The p.P1030L variant (also known as c.3089C>T), located in coding exon 13 of the KCNH2 gene, results from a C to T substitution at nucleotide position 3089. The proline at codon 1030 is replaced by leucine, an amino acid with similar properties. This amino acid position is not well conserved in available vertebrate species. In addition, the in silico prediction for this alteration is inconclusive. Based on the available evidence, the clinical significance of this variant remains unclear.

Color Diagnostics, LLC DBA Color Health
Classification: Uncertain significance for Cardiac arrhythmia. Last evaluated: 2024-02-14. Review status: criteria provided, single submitter. Criteria: ACMG Guidelines, 2015. Collection method: clinical testing. Allele origin: germline.
Comment: This missense variant replaces proline with leucine at codon 1030 of the KCNH2 protein. Computational prediction is inconclusive regarding the impact of this variant on protein structure and function (internally defined REVEL score threshold 0.5 < inconclusive < 0.7, PMID: 27666373). To our knowledge, functional studies have not been reported for this variant. This variant has not been reported in individuals affected with KCNH2-related disorders in the literature. This variant has been identified in 6/178674 chromosomes in the general population by the Genome Aggregation Database (gnomAD). The available evidence is insufficient to determine the role of this variant in disease conclusively. Therefore, this variant is classified as a Variant of Uncertain Significance.

GeneDx
Classification: Uncertain significance. Last evaluated: 2021-12-21. Review status: criteria provided, single submitter. Criteria: GeneDx Variant Classification Process June 2021. Collection method: clinical testing. Allele origin: germline. Affected: yes.
Comment: Reported in ClinVar as a variant of uncertain significance (ClinVar Variant ID# 847541; ClinVar); In silico analysis supports that this missense variant does not alter protein structure/function; This variant is associated with the following publications: (PMID: 31493592, 26582918, 26746457)

Fulgent Genetics
Classification: Uncertain significance for Short QT syndrome type 1; Long QT syndrome 2. Last evaluated: 2021-09-29. Review status: criteria provided, single submitter. Criteria: ACMG Guidelines, 2015. Collection method: clinical testing. Allele origin: unknown.

NM_000238.4(KCNH2):c.3089C>T (p.Pro1030Leu)

Gene: KCNH2 (potassium voltage-gated channel subfamily H member 2; minus strand). Cytogenetic location: 7q36.1.
Variant type: single nucleotide variant.
Coding change: c.3089C>T on transcript NM_000238.4 (MANE Select); coding-DNA position 3089, C replaced by T.
Protein change: p.Pro1030Leu; replaces proline 1030 with leucine.
Molecular consequence: missense variant.
Genome position (GRCh38, 1-based): chr7:150,947,391, G>A on the plus strand (C>T on the coding strand, the complement: KCNH2 is on the minus strand). VCF-style: chr7-150947391-G-A. GRCh37 (hg19) VCF-style: chr7-150644479-G-A.
Other names: c.2069C>T, p.Pro690Leu (NM_172057.3); short protein forms P690L, P1030L.
Identifiers: ClinVar variation 847541 (VCV000847541.24), dbSNP rs904066540, ClinGen allele CA169071928.